The following is an entry in ClinVar:

NM_001330260.2(SCN8A):c.5311G>A (p.Val1771Ile)

Gene: SCN8A (sodium voltage-gated channel alpha subunit 8; plus strand). Cytogenetic location: 12q13.13.
Variant type: single nucleotide variant.
Coding change: c.5311G>A on transcript NM_001330260.2 (MANE Select); coding-DNA position 5311, G replaced by A.
Protein change: p.Val1771Ile; replaces valine 1771 with isoleucine.
Molecular consequence: missense variant.
Genome position (GRCh38, 1-based): chr12:51,806,797, G>A. VCF-style: chr12-51806797-G-A. GRCh37 (hg19) VCF-style: chr12-52200581-G-A.
Other names: c.5311G>A (NM_014191.3); c.5188G>A, p.Val1730Ile (NM_001177984.3, NM_001369788.1); c.5311G>A, p.Val1771Ile (NM_014191.4); short protein forms V1730I, V1771I.
Identifiers: ClinVar variation 2419005 (VCV002419005.7), dbSNP rs2540334717, ClinGen allele CA384885264.

ClinVar aggregate classification (germline): Conflicting classifications of pathogenicity. Review status: criteria provided, conflicting classifications (1 of 4 stars). 2 submissions from 2 submitters: Pathogenic (1); Uncertain significance (1). Last evaluated 2022-09-16.

Conditions:
Early-infantile DEE. Also called: Early infantile epileptic encephalopathy; Early infantile epileptic encephalopathy with suppression bursts; Ohtahara syndrome. Identifiers: Orphanet 1934, MedGen C0393706, MONDO:0800491.

Submissions (2):

GeneDx
Classification: Pathogenic. Last evaluated: 2022-09-16. Review status: criteria provided, single submitter. Criteria: GeneDx Variant Classification Process June 2021. Collection method: clinical testing. Allele origin: germline. Affected: yes.
Comment: Not observed at significant frequency in large population cohorts (gnomAD); Missense variants in this gene are often considered pathogenic (HGMD); In silico analysis supports that this missense variant does not alter protein structure/function; This substitution is predicted to be within the C-terminal cytoplasmic domain.; This variant is associated with the following publications: (PMID: 31887642, 32090326, 30171078, 30968951)

Labcorp Genetics (formerly Invitae), Labcorp
Classification: Uncertain significance for Early-infantile DEE. Last evaluated: 2022-05-10. Review status: criteria provided, single submitter. Criteria: Invitae Variant Classification Sherloc (09022015). Collection method: clinical testing. Allele origin: germline.
Comment: This sequence change replaces valine, which is neutral and non-polar, with isoleucine, which is neutral and non-polar, at codon 1771 of the SCN8A protein (p.Val1771Ile). In summary, the available evidence is currently insufficient to determine the role of this variant in disease. Therefore, it has been classified as a Variant of Uncertain Significance. Algorithms developed to predict the effect of missense changes on protein structure and function are either unavailable or do not agree on the potential impact of this missense change (SIFT: "Deleterious"; PolyPhen-2: "Probably Damaging"; Align-GVGD: "Class C0"). This missense change has been observed in individual(s) with SCN8A-related conditions (PMID: 30968951). In at least one individual the variant was observed to be de novo. This variant is not present in population databases (gnomAD no frequency).

Literature cited by the submitters: PubMed 30968951 (cited by Labcorp Genetics (formerly Invitae), Labcorp).